The following is an entry in ClinVar:

ClinVar aggregate classification (germline): Uncertain significance (1 of 4 stars; one submission).

Conditions:
PKD1-related disorder. Also called: PKD1-related condition.

gnomAD v4.1: 6 of 1,610,504 alleles (0.00037%); highest among the groups gnomAD compares: African/African-American, 0.0053%; no homozygotes.

Submission:

PreventionGenetics, part of Exact Sciences
Classification: Uncertain significance for PKD1-related condition. Last evaluated: 2026-08-05. Review status: criteria provided, single submitter. Criteria: ACMG Guidelines, 2015. Collection method: clinical testing. Allele origin: germline.
Comment: The PKD1 c.5002G>A variant is predicted to result in the amino acid substitution p.Ala1668Thr. To our knowledge, this variant has not been reported in the literature. This variant is reported in 0.0064% of alleles in individuals of African descent in gnomAD. At this time, the clinical significance of this variant is uncertain due to the absence of conclusive functional and genetic evidence.

NM_001009944.3(PKD1):c.5002G>A (p.Ala1668Thr)

Gene: PKD1 (polycystin 1, transient receptor potential channel interacting; minus strand). Cytogenetic location: 16p13.3.
Variant type: single nucleotide variant.
Coding change: c.5002G>A on transcript NM_001009944.3 (MANE Select); coding-DNA position 5002, G replaced by A.
Protein change: p.Ala1668Thr; replaces alanine 1668 with threonine.
Molecular consequence: missense variant.
Genome position (GRCh38, 1-based): chr16:2,110,165, C>T on the plus strand (G>A on the coding strand, the complement: PKD1 is on the minus strand). VCF-style: chr16-2110165-C-T. GRCh37 (hg19) VCF-style: chr16-2160166-C-T.
Other names: c.5002G>A, p.Ala1668Thr (NM_000296.4); short protein forms A1668T.
Identifiers: ClinVar variation 4983732 (VCV004983732.1).